The following is an entry in ClinVar:

ClinVar aggregate classification (germline): Conflicting classifications of pathogenicity. Review status: criteria provided, conflicting classifications (1 of 4 stars). 5 submissions from 5 submitters: Uncertain significance (3); Likely benign (1). 1 of the submissions does not count toward it. Last evaluated 2023-05-16.

Conditions:
Hereditary cancer-predisposing syndrome. Also called: Hereditary Cancer Syndrome; Neoplastic Syndromes, Hereditary; Hereditary neoplastic syndrome; Tumor predisposition. Identifiers: Orphanet 140162, MedGen C0027672, MeSH D009386, MONDO:0015356.
Hereditary breast ovarian cancer syndrome. Also called: Breast and ovarian cancer; Hereditary breast and/or ovarian cancer syndrome; Hereditary breast and ovarian cancer; Hereditary breast and ovarian cancer syndrome; Hereditary breast and ovarian cancer syndrome (HBOC); BRCA1- and BRCA2-Associated Hereditary Breast and Ovarian Cancer. Identifiers: Orphanet 145, MedGen C0677776, MeSH D061325, MONDO:0003582. Disease mechanism: loss of function.
Breast-ovarian cancer, familial, susceptibility to, 2 (BROVCA2). Also called: BRCA2 Hereditary Breast and Ovarian Cancer. Identifiers: Orphanet 145, MedGen C2675520, MONDO:0012933, OMIM 612555. Disease mechanism: loss of function.

Submissions (5):

All of Us Research Program, National Institutes of Health
Classification: Uncertain significance for Breast-ovarian cancer, familial, susceptibility to, 2. Last evaluated: 2023-05-16. Review status: criteria provided, single submitter. Criteria: ACMG Guidelines, 2015. Collection method: clinical testing. Allele origin: germline. Inheritance: Autosomal dominant inheritance. Observed: 1 variant allele, 1 heterozygote.
Comment: This missense variant replaces threonine with isoleucine at codon 3195 of the BRCA2 protein. This variant is also known as 9812C>T in the literature. Computational prediction suggests that this variant may not impact protein structure and function (internally defined REVEL score threshold <= 0.5, PMID: 27666373). To our knowledge, functional studies have not been reported for this variant. This variant has been reported in individuals affected with breast or ovarian cancer (PMID: 18559594, 32846166). This variant has not been identified in the general population by the Genome Aggregation Database (gnomAD). The available evidence is insufficient to determine the role of this variant in disease conclusively. Therefore, this variant is classified as a Variant of Uncertain Significance.

This study involves interpretation of variants in research participants for the purpose of population health screening. Participant phenotype was not available at the time of variant classification. Additional details can be found in publication PMID: 35346344, PMCID: PMC8962531

Color Diagnostics, LLC DBA Color Health
Classification: Uncertain significance for Hereditary cancer-predisposing syndrome. Last evaluated: 2023-02-28. Review status: criteria provided, single submitter. Criteria: ACMG Guidelines, 2015. Collection method: clinical testing. Allele origin: germline.
Comment: This missense variant replaces threonine with isoleucine at codon 3195 of the BRCA2 protein. This variant is also known as 9812C>T in the literature. Computational prediction suggests that this variant may not impact protein structure and function (internally defined REVEL score threshold <= 0.5, PMID: 27666373). To our knowledge, functional studies have not been reported for this variant. This variant has been reported in individuals affected with breast or ovarian cancer (PMID: 18559594, 32846166). This variant has not been identified in the general population by the Genome Aggregation Database (gnomAD). The available evidence is insufficient to determine the role of this variant in disease conclusively. Therefore, this variant is classified as a Variant of Uncertain Significance.

Labcorp Genetics (formerly Invitae), Labcorp
Classification: Uncertain significance for Hereditary breast ovarian cancer syndrome. Last evaluated: 2021-08-27. Review status: criteria provided, single submitter. Criteria: Invitae Variant Classification Sherloc (09022015). Collection method: clinical testing. Allele origin: germline.
Comment: This sequence change replaces threonine with isoleucine at codon 3195 of the BRCA2 protein (p.Thr3195Ile). The threonine residue is weakly conserved and there is a moderate physicochemical difference between threonine and isoleucine. This variant is not present in population databases (ExAC no frequency). This missense change has been observed in individual(s) with breast and ovarian cancer (PMID: 18559594, 32846166). This variant is also known as 9812C>T. ClinVar contains an entry for this variant (Variation ID: 96884). Advanced modeling of protein sequence and biophysical properties (such as structural, functional, and spatial information, amino acid conservation, physicochemical variation, residue mobility, and thermodynamic stability) performed at Invitae indicates that this missense variant is not expected to disrupt BRCA2 protein function. In summary, the available evidence is currently insufficient to determine the role of this variant in disease. Therefore, it has been classified as a Variant of Uncertain Significance.

Ambry Genetics
Classification: Likely benign for Hereditary cancer-predisposing syndrome. Last evaluated: 2019-09-12. Review status: criteria provided, single submitter. Criteria: Ambry Variant Classification Scheme 2023. Collection method: clinical testing. Allele origin: germline.

Sharing Clinical Reports Project (SCRP)
Classification: Uncertain significance for Breast-ovarian cancer, familial 2. Last evaluated: 2010-11-18. Review status: no assertion criteria provided. Collection method: clinical testing. Allele origin: germline. Not counted in ClinVar's aggregate classification.

Literature cited by the submitters: PubMed 18559594 (cited by 3 submitters); PubMed 32846166 (cited by 3 submitters).

NM_000059.4(BRCA2):c.9584C>T (p.Thr3195Ile)

Gene: BRCA2 (BRCA2 DNA repair associated; plus strand). Cytogenetic location: 13q13.1.
Variant type: single nucleotide variant.
Coding change: c.9584C>T on transcript NM_000059.4 (MANE Select); coding-DNA position 9584, C replaced by T.
Protein change: p.Thr3195Ile; replaces threonine 3195 with isoleucine.
Molecular consequence: missense variant.
Genome position (GRCh38, 1-based): chr13:32,396,980, C>T. VCF-style: chr13-32396980-C-T. GRCh37 (hg19) VCF-style: chr13-32971117-C-T.
Other names: 9812C>T; short protein forms T3195I.
Identifiers: ClinVar variation 96884 (VCV000096884.17), dbSNP rs431825376, ClinGen allele CA026223.